The following is an entry in ClinVar:

ClinVar aggregate classification (germline): Uncertain significance. Review status: criteria provided, multiple submitters, no conflicts (2 of 4 stars). 5 submissions from 2 submitters: Uncertain significance (5). Last evaluated 2018-01-13.

Conditions:
Transitory neonatal diabetes mellitus. Also called: Transient neonatal diabetes mellitus. Identifiers: MedGen C0342273, MONDO:0020525, HP:0008255.
Maturity-onset diabetes of the young (MODY). Also called: Maturity onset diabetes mellitus in young. Identifiers: Orphanet 552, MedGen C0342276, MONDO:0018911, HP:0004904.
Hyperinsulinemic hypoglycemia, familial, 1 (HHF1). Also called: Persistent hyperinsulinemic hypoglycemia of infancy; HYPERINSULINISM, FAMILIAL, WITH PANCREATIC NESIDIOBLASTOSIS; HYPOGLYCEMIA, HYPERINSULINEMIC, OF INFANCY; NESIDIOBLASTOSIS OF PANCREAS; Persistent Hyperinsulinemia Hypoglycemia of Infancy. Identifiers: Orphanet 276575, Orphanet 276598, MedGen C2931832, MONDO:0009734, OMIM 256450.
Diabetes mellitus, transient neonatal, 2 (TNDM2). Identifiers: Orphanet 99886, MedGen C1835887, MONDO:0012480, OMIM 610374. Disease mechanism: loss of function.
Permanent neonatal diabetes mellitus (PNDM). Identifiers: Orphanet 99885, MedGen C1833104, MONDO:0100164, MONDO:0011643. Disease mechanism: gain of function.

Submissions (5):

Illumina Laboratory Services, Illumina
Classification: Uncertain significance for Diabetes mellitus, transient neonatal, 2. Last evaluated: 2018-01-13. Review status: criteria provided, single submitter. Criteria: ICSL Variant Classification Criteria 13 December 2019. Collection method: clinical testing. Allele origin: germline.

Illumina Laboratory Services, Illumina
Classification: Uncertain significance for Permanent neonatal diabetes mellitus 1. Last evaluated: 2018-01-13. Review status: criteria provided, single submitter. Criteria: ICSL Variant Classification Criteria 13 December 2019. Collection method: clinical testing. Allele origin: germline.

Illumina Laboratory Services, Illumina
Classification: Uncertain significance for Hyperinsulinemic hypoglycemia, familial, 1. Last evaluated: 2018-01-13. Review status: criteria provided, single submitter. Criteria: ICSL Variant Classification Criteria 13 December 2019. Collection method: clinical testing. Allele origin: germline.

Clinical Genomics, Uppaluri K&H Personalized Medicine Clinic
Classification: Uncertain significance for Transitory neonatal diabetes mellitus. Review status: criteria provided, single submitter. Criteria: K & H Uppaluri Personalized Medicine Clinic Variant Classification & Assertion Criteria_Updated V.1. Collection method: research. Allele origin: somatic. Inheritance: Somatic mutation.
Comment: Mutations in ABCC8 gene are associated with both neonatal diabetes mellitus as well as MODY. Patients with this mutation may have a better response to sulfonylureas. However, no sufficient evidence is found to ascertain the role of this particular variant (rs886048049) in neonatal diabetes yet.

Clinical Genomics, Uppaluri K&H Personalized Medicine Clinic
Classification: Uncertain significance for Maturity-onset diabetes of the young. Review status: criteria provided, single submitter. Criteria: K & H Uppaluri Personalized Medicine Clinic Variant Classification & Assertion Criteria_Updated V.1. Collection method: research. Allele origin: somatic. Inheritance: Somatic mutation.
Comment: Mutations in ABCC8 gene are associated with both neonatal diabetes mellitus as well as MODY. Patients with this mutation may have a better response to sulfonylureas. However, no sufficient evidence is found to ascertain the role of this particular variant (rs886048049) in MODY yet.

Literature cited by the submitters: PubMed 16885549 (cited by Clinical Genomics, Uppaluri K&H Personalized Medicine Clinic); PubMed 21989597 (cited by Clinical Genomics, Uppaluri K&H Personalized Medicine Clinic); PubMed 27538677 (cited by Clinical Genomics, Uppaluri K&H Personalized Medicine Clinic); PubMed 18981553 (cited by Clinical Genomics, Uppaluri K&H Personalized Medicine Clinic); PubMed 32027066 (cited by Clinical Genomics, Uppaluri K&H Personalized Medicine Clinic); PubMed 16613899 (cited by Clinical Genomics, Uppaluri K&H Personalized Medicine Clinic); PubMed 18025408 (cited by Clinical Genomics, Uppaluri K&H Personalized Medicine Clinic); PubMed 32792356 (cited by Clinical Genomics, Uppaluri K&H Personalized Medicine Clinic).

NM_000352.6(ABCC8):c.3705T>C (p.Ile1235=)

Gene: ABCC8 (ATP binding cassette subfamily C member 8; minus strand). Cytogenetic location: 11p15.1.
Variant type: single nucleotide variant.
Coding change: c.3705T>C on transcript NM_000352.6 (MANE Select); coding-DNA position 3705, T replaced by C.
Protein change: p.Ile1235=; no amino-acid change (isoleucine 1235 retained).
Molecular consequence: synonymous variant. On other transcripts: non-coding transcript variant (1).
Genome position (GRCh38, 1-based): chr11:17,398,387, A>G on the plus strand (T>C on the coding strand, the complement: ABCC8 is on the minus strand). VCF-style: chr11-17398387-A-G. GRCh37 (hg19) VCF-style: chr11-17419934-A-G.
Other names: c.3708T>C, p.Ile1236= (NM_001287174.3); c.3771T>C, p.Ile1257= (NM_001351295.2); c.3705T>C, p.Ile1235= (NM_001351296.2); c.3702T>C, p.Ile1234= (NM_001351297.2).
Identifiers: ClinVar variation 303759 (VCV000303759.6), dbSNP rs886048049, ClinGen allele CA10634211.